The following is an entry in ClinVar:

ClinVar aggregate classification (germline): Benign (1 of 4 stars; one submission).

Conditions:
Leigh syndrome (NULS). Also called: Leigh's necrotizing encephalopathy; Leigh's disease; Leigh Syndrome (mtDNA deletion); Leigh Disease; Subacute necrotizing encephalopathy; Necrotizing encephalopathy infantile subacute of Leigh. Identifiers: Orphanet 506, MedGen C2931891, MONDO:0009723, OMIM 256000.

Submission:

Wong Mito Lab, Molecular and Human Genetics, Baylor College of Medicine
Classification: Benign for Leigh syndrome. Last evaluated: 2019-10-17. Review status: criteria provided, single submitter. Criteria: Modified ACMG Guidelines (Unpublished). Collection method: clinical testing. Allele origin: germline.
Comment: The NC_012920.1:m.10845C>T (YP_003024035.1:p.Thr29Ile) variant in MTND4 gene is interpretated to be a Benign variant based on the modified ACMG guidelines (unpublished). This variant meets the following evidence codes: BS1, BS2, BP4

NC_012920.1(MT-ND4):m.10845C>T

Gene: MT-ND4 (mitochondrially encoded NADH dehydrogenase 4; plus strand).
Variant type: single nucleotide variant.
Genome position: chrM-10845-C-T.
Identifiers: ClinVar variation 693319 (VCV000693319.1), dbSNP rs1603222985, ClinGen allele CA414807168.